The following is an entry in ClinVar:

ClinVar aggregate classification (germline): Uncertain significance (1 of 4 stars; one submission).

Submission:

Labcorp Genetics (formerly Invitae), Labcorp
Classification: Uncertain significance. Last evaluated: 2024-02-17. Review status: criteria provided, single submitter. Criteria: Invitae Variant Classification Sherloc (09022015). Collection method: clinical testing. Allele origin: germline.
Comment: This sequence change replaces cysteine, which is neutral and slightly polar, with serine, which is neutral and polar, at codon 282 of the UMOD protein (p.Cys282Ser). This variant is not present in population databases (gnomAD no frequency). This missense change has been observed in individuals with UMOD-related conditions (PMID: 32450155; Invitae). ClinVar contains an entry for this variant (Variation ID: 2098927). Advanced modeling of protein sequence and biophysical properties (such as structural, functional, and spatial information, amino acid conservation, physicochemical variation, residue mobility, and thermodynamic stability) has been performed at Invitae for this missense variant, however the output from this modeling did not meet the statistical confidence thresholds required to predict the impact of this variant on UMOD protein function. This variant disrupts the p.Cys282 amino acid residue in UMOD. Other variant(s) that disrupt this residue have been observed in individuals with UMOD-related conditions (PMID: 14569098), which suggests that this may be a clinically significant amino acid residue. In summary, the available evidence is currently insufficient to determine the role of this variant in disease. Therefore, it has been classified as a Variant of Uncertain Significance.

Literature cited by the submitters: PubMed 32450155; PubMed 14569098.

NM_003361.4(UMOD):c.844T>A (p.Cys282Ser)

Gene: UMOD (uromodulin; minus strand). Cytogenetic location: 16p12.3.
Variant type: single nucleotide variant.
Coding change: c.844T>A on transcript NM_003361.4 (MANE Select); coding-DNA position 844, T replaced by A.
Protein change: p.Cys282Ser; replaces cysteine 282 with serine.
Molecular consequence: missense variant. On other transcripts: non-coding transcript variant (1).
Genome position (GRCh38, 1-based): chr16:20,348,457, A>T on the plus strand (T>A on the coding strand, the complement: UMOD is on the minus strand). VCF-style: chr16-20348457-A-T. GRCh37 (hg19) VCF-style: chr16-20359779-A-T.
Other names: c.844T>A, p.Cys282Ser (NM_001008389.3, NM_001378232.1, NM_001378233.1 and 3 more transcripts); c.943T>A, p.Cys315Ser (NM_001278614.2); short protein forms C282S, C315S.
Identifiers: ClinVar variation 2098927 (VCV002098927.4), dbSNP rs2507385739, ClinGen allele CA394984110.